The following is an entry in ClinVar:

NM_007272.3(CTRC):c.798G>C (p.Met266Ile)

Gene: CTRC (chymotrypsin C; plus strand). Cytogenetic location: 1p36.21.
Variant type: single nucleotide variant.
Coding change: c.798G>C on transcript NM_007272.3 (MANE Select); coding-DNA position 798, G replaced by C.
Protein change: p.Met266Ile; replaces methionine 266 with isoleucine.
Molecular consequence: missense variant.
Genome position (GRCh38, 1-based): chr1:15,446,580, G>C. VCF-style: chr1-15446580-G-C. GRCh37 (hg19) VCF-style: chr1-15773075-G-C.
Other names: short protein forms M266I.
Identifiers: ClinVar variation 2564425 (VCV002564425.2), dbSNP rs2526308339, ClinGen allele CA338568375.

ClinVar aggregate classification (germline): Uncertain significance (1 of 4 stars; one submission).

Conditions:
Hereditary pancreatitis (PCTT). Also called: Hereditary chronic pancreatitis; PRSS1-Related Hereditary Pancreatitis. Identifiers: Orphanet 676, MedGen C0238339, MONDO:0008185, OMIM 167800.

Submission:

Ambry Genetics
Classification: Uncertain significance for Hereditary pancreatitis. Last evaluated: 2023-03-22. Review status: criteria provided, single submitter. Criteria: Ambry Variant Classification Scheme 2023. Collection method: clinical testing. Allele origin: germline.
Comment: The p.M266I variant (also known as c.798G>C), located in coding exon 8 of the CTRC gene, results from a G to C substitution at nucleotide position 798. The methionine at codon 266 is replaced by isoleucine, an amino acid with highly similar properties. This amino acid position is conserved. In addition, this alteration is predicted to be tolerated by in silico analysis. Since supporting evidence is limited at this time, the clinical significance of this alteration remains unclear.